The following is an entry in ClinVar:

NM_017617.5(NOTCH1):c.3268A>G (p.Thr1090Ala)

Gene: NOTCH1 (notch receptor 1; minus strand). Cytogenetic location: 9q34.3.
Variant type: single nucleotide variant.
Coding change: c.3268A>G on transcript NM_017617.5 (MANE Select); coding-DNA position 3268, A replaced by G.
Protein change: p.Thr1090Ala; replaces threonine 1090 with alanine.
Molecular consequence: missense variant.
Genome position (GRCh38, 1-based): chr9:136,508,289, T>C on the plus strand (A>G on the coding strand, the complement: NOTCH1 is on the minus strand). VCF-style: chr9-136508289-T-C. GRCh37 (hg19) VCF-style: chr9-139402741-T-C.
Other names: short protein forms T1090A.
Identifiers: ClinVar variation 2586748 (VCV002586748.2), dbSNP rs1589060986, ClinGen allele CA375552041.

ClinVar aggregate classification (germline): Uncertain significance (1 of 4 stars; one submission).

Conditions:
Familial thoracic aortic aneurysm and aortic dissection (TAAD). Also called: Thoracic aortic aneurysms and dissections. Identifiers: Orphanet 91387, MedGen C4707243, MONDO:0019625.

Submission:

Ambry Genetics
Classification: Uncertain significance for Familial thoracic aortic aneurysm and aortic dissection. Last evaluated: 2023-07-17. Review status: criteria provided, single submitter. Criteria: Ambry Variant Classification Scheme 2023. Collection method: clinical testing. Allele origin: germline.
Comment: The p.T1090A variant (also known as c.3268A>G), located in coding exon 20 of the NOTCH1 gene, results from an A to G substitution at nucleotide position 3268. The threonine at codon 1090 is replaced by alanine, an amino acid with similar properties. This amino acid position is conserved. In addition, the in silico prediction for this alteration is inconclusive. Since supporting evidence is limited at this time, the clinical significance of this alteration remains unclear.